The following is an entry in ClinVar:

NM_207122.2(EXT2):c.636G>T (p.Leu212Phe)

Gene: EXT2 (exostosin glycosyltransferase 2; plus strand). Cytogenetic location: 11p11.2.
Variant type: single nucleotide variant.
Coding change: c.636G>T on transcript NM_207122.2 (MANE Select); coding-DNA position 636, G replaced by T.
Protein change: p.Leu212Phe; replaces leucine 212 with phenylalanine.
Molecular consequence: missense variant.
Genome position (GRCh38, 1-based): chr11:44,114,194, G>T. VCF-style: chr11-44114194-G-T. GRCh37 (hg19) VCF-style: chr11-44135744-G-T.
Other names: c.735G>T, p.Leu245Phe (NM_000401.3); c.636G>T, p.Leu212Phe (NM_001178083.3, NM_001389628.1, NM_001389630.1); short protein forms L212F, L245F.
Identifiers: ClinVar variation 596871 (VCV000596871.7), dbSNP rs532468542, ClinGen allele CA5954965.

ClinVar aggregate classification (germline): Uncertain significance. Review status: criteria provided, multiple submitters, no conflicts (2 of 4 stars). 2 submissions from 2 submitters: Uncertain significance (2). Last evaluated 2024-04-11.

Conditions:
Exostoses, multiple, type 2 (EXT2). Also called: Hereditary Multiple Osteochondromatosis, Type II; EXOSTOSES, MULTIPLE, TYPE II. Identifiers: Orphanet 321, MedGen C1851413, MONDO:0007586, OMIM 133701.

Allele frequency attached by ClinVar (database versions not stated): gnomAD exomes below 0.00001; TOPMed below 0.00001; ExAC 0.00001; gnomAD 0.00001 and 0.00002; 1000 Genomes Project 0.00020; 1000 Genomes Project 30x 0.00031.
gnomAD v4.1: 7 of 1,614,056 alleles (0.00043%); highest among the groups gnomAD compares: Admixed American, 0.0067%; no homozygotes.

Submissions (2):

Labcorp Genetics (formerly Invitae), Labcorp
Classification: Uncertain significance for Exostoses, multiple, type 2. Last evaluated: 2024-04-11. Review status: criteria provided, single submitter. Criteria: Invitae Variant Classification Sherloc (09022015). Collection method: clinical testing. Allele origin: germline.
Comment: This sequence change replaces leucine, which is neutral and non-polar, with phenylalanine, which is neutral and non-polar, at codon 212 of the EXT2 protein (p.Leu212Phe). This variant is present in population databases (rs532468542, gnomAD 0.006%). This variant has not been reported in the literature in individuals affected with EXT2-related conditions. ClinVar contains an entry for this variant (Variation ID: 596871). Advanced modeling of protein sequence and biophysical properties (such as structural, functional, and spatial information, amino acid conservation, physicochemical variation, residue mobility, and thermodynamic stability) performed at Invitae indicates that this missense variant is expected to disrupt EXT2 protein function with a positive predictive value of 80%. In summary, the available evidence is currently insufficient to determine the role of this variant in disease. Therefore, it has been classified as a Variant of Uncertain Significance.

Eurofins Ntd Llc (ga)
Classification: Uncertain significance. Last evaluated: 2018-05-02. Review status: criteria provided, single submitter. Criteria: EGL ClinVar v180209 classification definitions. Collection method: clinical testing. Allele origin: germline. Observed: 1 variant allele, 1 heterozygote.